The following is an entry in ClinVar:

NM_198514.4(NHLRC2):c.2074G>T (p.Asp692Tyr)

Gene: NHLRC2 (NHL repeat containing 2; plus strand). Cytogenetic location: 10q25.3.
Variant type: single nucleotide variant.
Coding change: c.2074G>T on transcript NM_198514.4 (MANE Select); coding-DNA position 2074, G replaced by T.
Protein change: p.Asp692Tyr; replaces aspartic acid 692 with tyrosine.
Molecular consequence: missense variant.
Genome position (GRCh38, 1-based): chr10:113,908,429, G>T. VCF-style: chr10-113908429-G-T. GRCh37 (hg19) VCF-style: chr10-115668188-G-T.
Other names: c.2074G>T (NM_198514.3); short protein forms D692Y.
Identifiers: ClinVar variation 1727061 (VCV001727061.3), dbSNP rs755264403, ClinGen allele CA5698167.

ClinVar aggregate classification (germline): Uncertain significance. Review status: criteria provided, multiple submitters, no conflicts (2 of 4 stars). 3 submissions from 3 submitters: Uncertain significance (2). 1 of the submissions does not count toward it. Last evaluated 2025-08-07.

Conditions:
Fibrosis, neurodegeneration, and cerebral angiomatosis. Also called: Fibrosis-neurodegeneration-cerebral angiomatosis syndrome. Identifiers: Orphanet 621758, MedGen C4748939, MONDO:0032651, OMIM 618278.

Allele frequency attached by ClinVar (database versions not stated): gnomAD 0.00003; TOPMed 0.00002; ExAC 0.00003; gnomAD exomes 0.00005.
gnomAD v4.1: 76 of 1,613,844 alleles (0.0047%); highest among the groups gnomAD compares: Non-Finnish European, 0.0057%; no homozygotes.

Submissions (3):

GeneDx
Classification: Uncertain significance. Last evaluated: 2025-08-07. Review status: criteria provided, single submitter. Criteria: GeneDx Variant Classification Process June 2021. Collection method: clinical testing. Allele origin: germline. Affected: yes.
Comment: Observed with a pathogenic or likely pathogenic variant on the opposite allele (in trans) in a patient with hypotonia, gait disturbance, intellectual disability, regression, epilepsy, malabsorption, and choreoathetotic-like movements in published literature (PMID: 37188825); In silico analysis supports that this missense variant has a deleterious effect on protein structure/function; This variant is associated with the following publications: (PMID: 37188825)

Institute for Medical Genetics and Human Genetics, Charité - Universitätsmedizin Berlin
Classification: Uncertain significance for Fibrosis, neurodegeneration, and cerebral angiomatosis. Review status: criteria provided, single submitter. Criteria: ACMG Assertion Criteria. Collection method: research. Allele origin: germline. Inheritance: Autosomal recessive inheritance. Affected: yes.

OMIM
Classification: Pathogenic for FIBROSIS, NEURODEGENERATION, AND CEREBRAL ANGIOMATOSIS. Last evaluated: 2023-06-21. Review status: no assertion criteria provided. Collection method: literature only. Allele origin: germline. Not counted in ClinVar's aggregate classification.

Literature cited by the submitters: PubMed 37188825 (cited by OMIM).